The following is an entry in ClinVar:

NM_002299.4(LCT):c.2179G>A (p.Val727Met)

Gene: LCT (lactase; minus strand). Cytogenetic location: 2q21.3.
Variant type: single nucleotide variant.
Coding change: c.2179G>A on transcript NM_002299.4 (MANE Select); coding-DNA position 2179, G replaced by A.
Protein change: p.Val727Met; replaces valine 727 with methionine.
Molecular consequence: missense variant.
Genome position (GRCh38, 1-based): chr2:135,812,485, C>T on the plus strand (G>A on the coding strand, the complement: LCT is on the minus strand). VCF-style: chr2-135812485-C-T. GRCh37 (hg19) VCF-style: chr2-136570055-C-T.
Other names: short protein forms V727M.
Identifiers: ClinVar variation 1431552 (VCV001431552.8), dbSNP rs781500240, ClinGen allele CA1888284.

ClinVar aggregate classification (germline): Uncertain significance (1 of 4 stars; one submission).

Allele frequency attached by ClinVar (database versions not stated): ExAC 0.00001; gnomAD exomes 0.00001; TOPMed 0.00001.
gnomAD v4.1: 5 of 1,614,248 alleles (0.00031%); highest among the groups gnomAD compares: Non-Finnish European, 0.00042%; no homozygotes.

Submission:

Labcorp Genetics (formerly Invitae), Labcorp
Classification: Uncertain significance. Last evaluated: 2022-02-05. Review status: criteria provided, single submitter. Criteria: Invitae Variant Classification Sherloc (09022015). Collection method: clinical testing. Allele origin: germline.
Comment: Algorithms developed to predict the effect of missense changes on protein structure and function are either unavailable or do not agree on the potential impact of this missense change (SIFT: "Not Available"; PolyPhen-2: "Possibly Damaging"; Align-GVGD: "Not Available"). In summary, the available evidence is currently insufficient to determine the role of this variant in disease. Therefore, it has been classified as a Variant of Uncertain Significance. This variant has not been reported in the literature in individuals affected with LCT-related conditions. This variant is present in population databases (rs781500240, gnomAD 0.002%). This sequence change replaces valine, which is neutral and non-polar, with methionine, which is neutral and non-polar, at codon 727 of the LCT protein (p.Val727Met).